The following is an entry in ClinVar:

NM_020964.3(EPG5):c.6340C>T (p.Arg2114Cys)

Gene: EPG5 (ectopic P-granules 5 autophagy tethering factor; minus strand). Cytogenetic location: 18q12.3.
Variant type: single nucleotide variant.
Coding change: c.6340C>T on transcript NM_020964.3 (MANE Select); coding-DNA position 6340, C replaced by T.
Protein change: p.Arg2114Cys; replaces arginine 2114 with cysteine.
Molecular consequence: missense variant.
Genome position (GRCh38, 1-based): chr18:45,867,634, G>A on the plus strand (C>T on the coding strand, the complement: EPG5 is on the minus strand). VCF-style: chr18-45867634-G-A. GRCh37 (hg19) VCF-style: chr18-43447599-G-A.
Other names: short protein forms R2114C.
Identifiers: ClinVar variation 1030743 (VCV001030743.4), dbSNP rs775329245, ClinGen allele CA8948302.

ClinVar aggregate classification (germline): Uncertain significance. Review status: criteria provided, multiple submitters, no conflicts (2 of 4 stars). 2 submissions from 2 submitters: Uncertain significance (2). Last evaluated 2022-08-22.

Conditions:
Vici syndrome (VICIS). Identifiers: Orphanet 1493, MedGen C1855772, MONDO:0009452, OMIM 242840.

Allele frequency attached by ClinVar (database versions not stated): gnomAD exomes 0.00002 and 0.00008; TOPMed 0.00003; gnomAD 0.00004; ExAC 0.00006.
gnomAD v4.1: 39 of 1,613,908 alleles (0.0024%); highest among the groups gnomAD compares: Admixed American, 0.022%; no homozygotes.

Submissions (2):

Labcorp Genetics (formerly Invitae), Labcorp
Classification: Uncertain significance for Vici syndrome. Last evaluated: 2022-08-22. Review status: criteria provided, single submitter. Criteria: Invitae Variant Classification Sherloc (09022015). Collection method: clinical testing. Allele origin: germline.
Comment: This sequence change replaces arginine, which is basic and polar, with cysteine, which is neutral and slightly polar, at codon 2114 of the EPG5 protein (p.Arg2114Cys). This variant is present in population databases (rs775329245, gnomAD 0.03%). This variant has not been reported in the literature in individuals affected with EPG5-related conditions. ClinVar contains an entry for this variant (Variation ID: 1030743). Algorithms developed to predict the effect of missense changes on protein structure and function (SIFT, PolyPhen-2, Align-GVGD) all suggest that this variant is likely to be tolerated. In summary, the available evidence is currently insufficient to determine the role of this variant in disease. Therefore, it has been classified as a Variant of Uncertain Significance.

Baylor Genetics
Classification: Uncertain significance for Vici syndrome. Last evaluated: 2019-03-28. Review status: criteria provided, single submitter. Criteria: ACMG Guidelines, 2015. Collection method: clinical testing. Allele origin: unknown. Affected: yes.
Comment: This variant was determined to be of uncertain significance according to ACMG Guidelines, 2015 [PMID:25741868].